The following is an entry in ClinVar:

NM_182961.4(SYNE1):c.19352G>A (p.Arg6451Gln)

Gene: SYNE1 (spectrin repeat containing nuclear envelope protein 1; minus strand). Cytogenetic location: 6q25.2.
Variant type: single nucleotide variant.
Coding change: c.19352G>A on transcript NM_182961.4 (MANE Select); coding-DNA position 19352, G replaced by A.
Protein change: p.Arg6451Gln; replaces arginine 6451 with glutamine.
Molecular consequence: missense variant.
Genome position (GRCh38, 1-based): chr6:152,254,998, C>T on the plus strand (G>A on the coding strand, the complement: SYNE1 is on the minus strand). VCF-style: chr6-152254998-C-T. GRCh37 (hg19) VCF-style: chr6-152576133-C-T.
Other names: c.19139G>A, p.Arg6380Gln (NM_033071.5); short protein forms R6380Q, R6451Q.
Identifiers: ClinVar variation 1516660 (VCV001516660.8), dbSNP rs943903359, ClinGen allele CA150202295.
Genomic context (GRCh38, chr6:152,254,998, plus strand): 5'-ACTGAGTCTAGCAAGGATAACCTGCCCAAAAGACAACCCAAAGTATCTTCAATAACATCT[C>T]GATTATCACCATTCTCTGGAAAAGCTTGGGAAAACAAGTTTTTGTTCTTATCCATTTCTT-3'
Protein context (NP_892006.3, residues 6441-6461): SQAFPENGDN[Arg6451Gln]DVIEDTLGCL

ClinVar aggregate classification (germline): Uncertain significance (1 of 4 stars; one submission).

Conditions:
Emery-Dreifuss muscular dystrophy 4, autosomal dominant (EDMD4). Also called: EMERY-DREIFUSS MUSCULAR DYSTROPHY 4 WITH VARIABLE FEATURES. Identifiers: Orphanet 261, MedGen C2751807, MONDO:0013071, OMIM 612998.
Autosomal recessive ataxia, Beauce type. Also called: Spinocerebellar ataxia, autosomal recessive 8; ATAXIA, RECESSIVE, OF BEAUCE; SYNE1 Deficiency; SYNE1-Related Autosomal Recessive Cerebellar Ataxia. Identifiers: Orphanet 88644, MedGen C1853116, MONDO:0012549, OMIM 610743.

Allele frequency attached by ClinVar (database versions not stated): gnomAD exomes below 0.00001 and 0.00001; gnomAD 0.00001; TOPMed 0.00002.
gnomAD v4.1: 15 of 1,613,738 alleles (0.00093%); highest among the groups gnomAD compares: Non-Finnish European, 0.0012%; no homozygotes.

Submission:

Labcorp Genetics (formerly Invitae), Labcorp
Classification: Uncertain significance for Emery-Dreifuss muscular dystrophy 4, autosomal dominant; Autosomal recessive ataxia, Beauce type. Last evaluated: 2020-12-31. Review status: criteria provided, single submitter. Criteria: Invitae Variant Classification Sherloc (09022015). Collection method: clinical testing. Allele origin: germline.
Comment: In summary, the available evidence is currently insufficient to determine the role of this variant in disease. Therefore, it has been classified as a Variant of Uncertain Significance. Algorithms developed to predict the effect of missense changes on protein structure and function are either unavailable or do not agree on the potential impact of this missense change (SIFT: "Deleterious"; PolyPhen-2: "Benign"; Align-GVGD: "Class C35"). This variant has not been reported in the literature in individuals with SYNE1-related conditions. This variant is not present in population databases (ExAC no frequency). This sequence change replaces arginine with glutamine at codon 6380 of the SYNE1 protein (p.Arg6380Gln). The arginine residue is highly conserved and there is a small physicochemical difference between arginine and glutamine.